The following is an entry in ClinVar:

NM_182916.3(TRNT1):c.250G>C (p.Ala84Pro)

Gene: TRNT1 (tRNA nucleotidyl transferase 1; plus strand). Cytogenetic location: 3p26.2.
Variant type: single nucleotide variant.
Coding change: c.250G>C on transcript NM_182916.3 (MANE Select); coding-DNA position 250, G replaced by C.
Protein change: p.Ala84Pro; replaces alanine 84 with proline.
Molecular consequence: missense variant. On other transcripts: non-coding transcript variant (8).
Genome position (GRCh38, 1-based): chr3:3,137,361, G>C. VCF-style: chr3-3137361-G-C. GRCh37 (hg19) VCF-style: chr3-3179045-G-C.
Other names: c.250G>C, p.Ala84Pro (NM_001302946.2, NM_001367321.1, NM_001367322.1 and 1 more transcripts); short protein forms A84P.
Identifiers: ClinVar variation 1063955 (VCV001063955.5), dbSNP rs781277263, ClinGen allele CA351443138.

ClinVar aggregate classification (germline): Uncertain significance (1 of 4 stars; one submission).

Conditions:
Congenital sideroblastic anemia-B-cell immunodeficiency-periodic fever-developmental delay syndrome. Also called: Sideroblastic anemia with B-cell immunodeficiency, periodic fevers, and developmental delay. Identifiers: Orphanet 369861, MedGen C4015172, MONDO:0014487, OMIM 616084.

Submission:

Labcorp Genetics (formerly Invitae), Labcorp
Classification: Uncertain significance for Congenital sideroblastic anemia-B-cell immunodeficiency-periodic fever-developmental delay syndrome. Last evaluated: 2020-05-13. Review status: criteria provided, single submitter. Criteria: Invitae Variant Classification Sherloc (09022015). Collection method: clinical testing. Allele origin: germline.
Comment: In summary, the available evidence is currently insufficient to determine the role of this variant in disease. Therefore, it has been classified as a Variant of Uncertain Significance. Algorithms developed to predict the effect of missense changes on protein structure and function are either unavailable or do not agree on the potential impact of this missense change (SIFT: "Deleterious"; PolyPhen-2: "Probably Damaging"; Align-GVGD: "Class C0"). This variant has not been reported in the literature in individuals with TRNT1-related conditions. This variant is not present in population databases (ExAC no frequency). This sequence change replaces alanine with proline at codon 84 of the TRNT1 protein (p.Ala84Pro). The alanine residue is highly conserved and there is a small physicochemical difference between alanine and proline.